The following is an entry in ClinVar:

ClinVar aggregate classification (germline): Likely benign (0 of 4 stars; one submission).

Conditions:
PPARG-related disorder. Also called: PPARG-related disorders; PPARG-related condition.

gnomAD v4.1: 2 of 1,614,020 alleles (0.00012%); highest among the groups gnomAD compares: African/African-American, 0.0013%; no homozygotes.

Submission:

PreventionGenetics, part of Exact Sciences
Classification: Likely benign for PPARG-related condition. Last evaluated: 2023-11-14. Review status: no assertion criteria provided. Collection method: clinical testing. Allele origin: germline.
Comment: This variant is classified as likely benign based on ACMG/AMP sequence variant interpretation guidelines (Richards et al. 2015 PMID: 25741868, with internal and published modifications).

NM_138711.6(PPARG):c.102C>T (p.Pro34=)

Gene: PPARG (peroxisome proliferator activated receptor gamma; plus strand). Cytogenetic location: 3p25.2.
Variant type: single nucleotide variant.
Coding change: c.102C>T on transcript NM_138711.6 (MANE Select); coding-DNA position 102, C replaced by T.
Protein change: p.Pro34=; no amino-acid change (proline 34 retained).
Molecular consequence: synonymous variant. On other transcripts: 5 prime UTR variant (1).
Genome position (GRCh38, 1-based): chr3:12,379,813, C>T. VCF-style: chr3-12379813-C-T. GRCh37 (hg19) VCF-style: chr3-12421312-C-T.
Other names: c.102C>T, p.Pro34= (NM_001330615.4, NM_001354666.3, NM_001354667.3 and 6 more transcripts); c.192C>T, p.Pro64= (NM_001354668.2, NM_001374265.1, NM_015869.5); c.-326C>T (NM_001354669.2); c.108C>T, p.Pro36= (NM_001354670.2, NM_001374266.1).
Identifiers: ClinVar variation 3357299 (VCV003357299.1).